The following is an entry in ClinVar:

ClinVar aggregate classification (germline): Uncertain significance. Review status: criteria provided, multiple submitters, no conflicts (2 of 4 stars). 2 submissions from 2 submitters: Uncertain significance (2). Last evaluated 2023-07-26.

Submissions (2):

Labcorp Genetics (formerly Invitae), Labcorp
Classification: Uncertain significance. Last evaluated: 2023-07-26. Review status: criteria provided, single submitter. Criteria: Invitae Variant Classification Sherloc (09022015). Collection method: clinical testing. Allele origin: germline.
Comment: In summary, the available evidence is currently insufficient to determine the role of this variant in disease. Therefore, it has been classified as a Variant of Uncertain Significance. Advanced modeling of protein sequence and biophysical properties (such as structural, functional, and spatial information, amino acid conservation, physicochemical variation, residue mobility, and thermodynamic stability) performed at Invitae indicates that this missense variant is expected to disrupt POLE protein function. ClinVar contains an entry for this variant (Variation ID: 1315485). This variant has not been reported in the literature in individuals affected with POLE-related conditions. This variant is not present in population databases (gnomAD no frequency). This sequence change replaces leucine, which is neutral and non-polar, with phenylalanine, which is neutral and non-polar, at codon 1397 of the POLE protein (p.Leu1397Phe).

GeneDx
Classification: Uncertain significance. Last evaluated: 2020-02-11. Review status: criteria provided, single submitter. Criteria: GeneDx Variant Classification Process June 2021. Collection method: clinical testing. Allele origin: germline. Affected: yes.
Comment: Has not been previously published as pathogenic or benign to our knowledge; Not observed in large population cohorts (Lek 2016); In silico analysis supports that this missense variant has a deleterious effect on protein structure/function

NM_006231.4(POLE):c.4189C>T (p.Leu1397Phe)

Gene: POLE (DNA polymerase epsilon, catalytic subunit; minus strand). Cytogenetic location: 12q24.33.
Variant type: single nucleotide variant.
Coding change: c.4189C>T on transcript NM_006231.4 (MANE Select); coding-DNA position 4189, C replaced by T.
Protein change: p.Leu1397Phe; replaces leucine 1397 with phenylalanine.
Molecular consequence: missense variant.
Genome position (GRCh38, 1-based): chr12:132,643,938, G>A on the plus strand (C>T on the coding strand, the complement: POLE is on the minus strand). VCF-style: chr12-132643938-G-A. GRCh37 (hg19) VCF-style: chr12-133220524-G-A.
Other names: short protein forms L1397F.
Identifiers: ClinVar variation 1315485 (VCV001315485.7), dbSNP rs2138561311, ClinGen allele CA387382358.